The following is an entry in ClinVar:

ClinVar aggregate classification (germline): Benign/Likely benign. Review status: criteria provided, multiple submitters, no conflicts (2 of 4 stars). 16 submissions from 15 submitters: Benign (3); Likely benign (10). 3 of the submissions do not count toward it. Last evaluated 2026-02-04.

Conditions:
Osteogenesis imperfecta type I (OI1). Also called: Osteogenesis imperfecta type 1; Lobstein's Disease; Classic Non-deforming Osteogenesis Imperfecta with Blue Sclerae; OI, TYPE I; OSTEOGENESIS IMPERFECTA TARDA; OSTEOGENESIS IMPERFECTA WITH BLUE SCLERAE. Identifiers: Orphanet 216796, Orphanet 666, MedGen C0023931, MONDO:0008146, OMIM 166200. Disease mechanism: loss of function.
Ehlers-Danlos syndrome, classic type, 1 (EDSCL1). Also called: Ehlers-Danlos syndrome, type 1; Ehlers-Danlos Syndrome, Classic Type, COL5A1-Related; EDS I; EHLERS-DANLOS SYNDROME, GRAVIS TYPE; EHLERS-DANLOS SYNDROME, SEVERE CLASSIC TYPE. Identifiers: MedGen C0268335, MONDO:0019567, OMIM 130000.
Ehlers-Danlos syndrome, arthrochalasia type, 2. Also called: EHLERS-DANLOS SYNDROME, TYPE VIIB, AUTOSOMAL DOMINANT. Identifiers: MedGen CN293783, MONDO:0040501, OMIM 617821.
Connective tissue disorder. Also called: Connective tissue disease. Identifiers: MedGen C0009782, MONDO:0003900.
Osteogenesis imperfecta, perinatal lethal (OI2). Also called: OSTEOGENESIS IMPERFECTA, TYPE II; VROLIK TYPE OF OSTEOGENESIS IMPERFECTA; Osteogenesis imperfecta type 2; Osteogenesis imperfecta, dominant perinatal lethal; OI, TYPE II; OSTEOGENESIS IMPERFECTA CONGENITA. Identifiers: Orphanet 216804, MedGen C0268358, MONDO:0008147, OMIM 166210.
Ehlers-Danlos syndrome, cardiac valvular type. Identifiers: Orphanet 230851, MedGen C4303789, MONDO:0009159, OMIM 225320.
Combined osteogenesis imperfecta and Ehlers-Danlos syndrome 2. Also called: OIEDS SYNDROME 2. Identifiers: MedGen C5436847, MONDO:0030855, OMIM 619120.
Osteogenesis imperfecta with normal sclerae, dominant form (OI4). Also called: Osteogenesis imperfecta type 4; OSTEOGENESIS IMPERFECTA, TYPE IV, WITH DENTINOGENESIS IMPERFECTA; Osteogenesis Imperfecta Type IV; Common Variable Osteogenesis Imperfecta with Normal Sclerae; OSTEOGENESIS IMPERFECTA WITH NORMAL SCLERAE. Identifiers: Orphanet 216820, Orphanet 666, MedGen C0268363, MONDO:0008148, OMIM 166220.
Cardiovascular phenotype. Identifiers: MedGen CN230736.
Ehlers-Danlos syndrome (EDS). Identifiers: Orphanet 98249, MedGen C0013720, MONDO:0020066.
Osteogenesis imperfecta (OI). Identifiers: Orphanet 666, MedGen C0029434, MeSH D010013, MONDO:0019019.

Allele frequency attached by ClinVar (database versions not stated): ESP Exome Variant Server 0.00231; gnomAD exomes 0.00127; TOPMed 0.00161; gnomAD 0.00172 and 0.00177; 1000 Genomes Project 30x 0.00031; 1000 Genomes Project 0.00040; ExAC 0.00126.
gnomAD v4.1: 4,419 of 1,614,122 alleles (0.27%); highest among the groups gnomAD compares: Non-Finnish European, 0.35%; 7 homozygotes.

Submissions (16):

Labcorp Genetics (formerly Invitae), Labcorp
Classification: Likely benign for Osteogenesis imperfecta type I; Ehlers-Danlos syndrome, classic type, 1. Last evaluated: 2026-02-04. Review status: criteria provided, single submitter. Criteria: Invitae Variant Classification Sherloc (09022015). Collection method: clinical testing. Allele origin: germline.

Mayo Clinic Laboratories, Mayo Clinic
Classification: Likely benign. Last evaluated: 2025-08-11. Review status: criteria provided, single submitter. Criteria: ACMG Guidelines, 2015. Collection method: clinical testing. Allele origin: germline. Observed: 21 variant alleles.
Comment: BS1, BP4

CeGaT Center for Human Genetics Tuebingen
Classification: Likely benign. Last evaluated: 2025-08-01. Review status: criteria provided, single submitter. Criteria: CeGaT Center For Human Genetics Tuebingen Variant Classification Criteria Version 2. Collection method: clinical testing. Allele origin: germline. Affected: yes. Observed: 9 variant alleles.
Comment: COL1A2: BS1

ARUP Laboratories, Molecular Genetics and Genomics, ARUP Laboratories
Classification: Likely benign. Last evaluated: 2024-12-20. Review status: criteria provided, single submitter. Criteria: ARUP Molecular Germline Variant Investigation Process 2024. Collection method: clinical testing. Allele origin: germline.

Blueprint Genetics
Classification: Likely benign. Last evaluated: 2024-11-25. Review status: criteria provided, single submitter. Criteria: ACMG Guidelines, 2015. Collection method: clinical testing. Allele origin: germline.

Genome Diagnostics Laboratory, The Hospital for Sick Children
Classification: Likely benign for Ehlers-Danlos syndrome. Last evaluated: 2022-04-22. Review status: criteria provided, single submitter. Criteria: ACMG Guidelines, 2015. Collection method: clinical testing. Allele origin: germline.

Athena Diagnostics
Classification: Benign. Last evaluated: 2021-04-05. Review status: criteria provided, single submitter. Criteria: Athena Diagnostics criteria. Collection method: clinical testing. Allele origin: unknown.

GeneDx
Classification: Likely benign. Last evaluated: 2021-03-26. Review status: criteria provided, single submitter. Criteria: GeneDx Variant Classification Process June 2021. Collection method: clinical testing. Allele origin: germline. Affected: yes.
Comment: Occurs in the triple helical domain at the {X/Y} position in the canonical Gly-X-Y repeat; although this variant may have an effect on normal protein folding and function, missense substitution at the {X/Y} position is not a common mechanism of disease (Stenson et al., 2014); This variant is associated with the following publications: (PMID: 27056980)

Ambry Genetics
Classification: Likely benign for Cardiovascular phenotype. Last evaluated: 2019-03-01. Review status: criteria provided, single submitter. Criteria: Ambry Variant Classification Scheme 2023. Collection method: clinical testing. Allele origin: germline.

Illumina Laboratory Services, Illumina
Classification: Benign for Osteogenesis imperfecta. Last evaluated: 2017-04-27. Review status: criteria provided, single submitter. Criteria: ICSL Variant Classification Criteria 13 December 2019. Collection method: clinical testing. Allele origin: germline.
Comment: This variant was observed as part of a predisposition screen in an ostensibly healthy population. A literature search was performed for the gene, cDNA change, and amino acid change (where applicable). Publications were found based on this search. The evidence from the literature, in combination with allele frequency data from public databases where available, was sufficient to rule this variant out of causing disease. Therefore, this variant is classified as benign.

Illumina Laboratory Services, Illumina
Classification: Benign for Ehlers-Danlos syndrome, arthrochalasia type, 2. Last evaluated: 2017-04-27. Review status: criteria provided, single submitter. Criteria: ICSL Variant Classification Criteria 13 December 2019. Collection method: clinical testing. Allele origin: germline.
Comment: the same text as in the submission from Illumina Laboratory Services, Illumina above.

Center for Human Genetics, Inc
Classification: Likely benign for Connective tissue disorder. Last evaluated: 2016-11-01. Review status: criteria provided, single submitter. Criteria: ACMG Guidelines, 2015. Collection method: clinical testing. Allele origin: germline. Affected: yes.

Eurofins Ntd Llc (ga)
Classification: Likely benign. Last evaluated: 2015-12-09. Review status: criteria provided, single submitter. Criteria: EGL Classification Definitions 2015. Collection method: clinical testing. Allele origin: germline. Observed: 1 variant allele, 1 heterozygote.

Clinical Genetics DNA and cytogenetics Diagnostics Lab, Erasmus MC, Erasmus Medical Center
Classification: Likely benign. Review status: no assertion criteria provided. Collection method: clinical testing. Allele origin: germline. Affected: yes. Study: VKGL Data-share Consensus. Not counted in ClinVar's aggregate classification.

Genome Diagnostics Laboratory, Amsterdam University Medical Center
Classification: Benign. Review status: no assertion criteria provided. Collection method: clinical testing. Allele origin: germline. Affected: yes. Study: VKGL Data-share Consensus. Not counted in ClinVar's aggregate classification.

Laboratory of Diagnostic Genome Analysis, Leiden University Medical Center (LUMC)
Classification: Likely benign. Review status: no assertion criteria provided. Collection method: clinical testing. Allele origin: germline. Affected: yes. Study: VKGL Data-share Consensus. Not counted in ClinVar's aggregate classification.

Literature cited by the submitters: PubMed 27056980 (cited by 3 submitters).

NM_000089.4(COL1A2):c.808G>A (p.Val270Ile)

Gene: COL1A2 (collagen type I alpha 2 chain; plus strand). Cytogenetic location: 7q21.3.
Variant type: single nucleotide variant.
Coding change: c.808G>A on transcript NM_000089.4 (MANE Select); coding-DNA position 808, G replaced by A.
Protein change: p.Val270Ile; replaces valine 270 with isoleucine.
Molecular consequence: missense variant.
Genome position (GRCh38, 1-based): chr7:94,409,337, G>A. VCF-style: chr7-94409337-G-A. GRCh37 (hg19) VCF-style: chr7-94038649-G-A.
Other names: short protein forms V270I.
Identifiers: ClinVar variation 284986 (VCV000284986.79), dbSNP rs368468, ClinGen allele CA4346836.